The following is an entry in ClinVar:

ClinVar aggregate classification (germline): Likely benign (1 of 4 stars; one submission).

Conditions:
BMPR1A-related disorder. Also called: BMPR1A-related condition.

Submission:

PreventionGenetics, part of Exact Sciences
Classification: Likely benign for BMPR1A-related condition. Last evaluated: 2026-08-19. Review status: criteria provided, single submitter. Criteria: ACMG Guidelines, 2015. Collection method: clinical testing. Allele origin: germline.
Comment: This variant is classified as likely benign based on ACMG/AMP sequence variant interpretation guidelines (Richards et al. 2015 PMID: 25741868, with internal and published modifications).

NC_000010.11:g.86755909C>T

Gene: BMPR1A (bone morphogenetic protein receptor type 1A; plus strand). Cytogenetic location: 10q23.2.
Variant type: single nucleotide variant.
Molecular consequence: 5 prime UTR variant (on NM_001406562.1).
Genome position: GRCh38 VCF-style: chr10-86755909-C-T. GRCh37 (hg19) VCF-style: chr10-88515666-C-T.
Other names: c.-568C>T (NM_001406562.1); c.-427C>T (NM_001406564.1); c.-322C>T (NM_001406566.1); c.-348C>T (NM_001406567.1); c.-463C>T (NM_001406568.1).
Identifiers: ClinVar variation 4983334 (VCV004983334.1).